The following is an entry in ClinVar:

ClinVar aggregate classification (germline): Conflicting classifications of pathogenicity. Review status: criteria provided, conflicting classifications (1 of 4 stars). 7 submissions from 7 submitters: Uncertain significance (6); Likely benign (1). Last evaluated 2025-07-09.

Conditions:
Intrauterine growth retardation, metaphyseal dysplasia, adrenal hypoplasia congenita, genital anomalies, and immunodeficiency. Also called: IMAGEI SYNDROME. Identifiers: MedGen C5193036, MONDO:0032684, OMIM 618336.
Facial dysmorphism-immunodeficiency-livedo-short stature syndrome. Also called: Facial dysmorphism, immunodeficiency, livedo, and short stature; FILS syndrome. Identifiers: Orphanet 352712, MedGen C3554576, MONDO:0014058, OMIM 615139.
Colorectal cancer, susceptibility to, 12 (CRCS12). Also called: COLORECTAL CANCER, SUSCEPTIBILITY TO, ON CHROMOSOME 12q24. Identifiers: Orphanet 220460, MedGen C3554460, MONDO:0014038, OMIM 615083.
Familial colorectal cancer type X. Identifiers: Orphanet 440437, MedGen C3896578, MONDO:0018604.
POLE-related disorder. Also called: POLE-related disorders; POLE-related condition.
Hereditary cancer-predisposing syndrome. Also called: Neoplastic Syndromes, Hereditary; Hereditary neoplastic syndrome; Hereditary Cancer Syndrome; Tumor predisposition. Identifiers: Orphanet 140162, MedGen C0027672, MeSH D009386, MONDO:0015356.

Allele frequency attached by ClinVar (database versions not stated): ExAC 0.00002; gnomAD 0.00002 and 0.00004; gnomAD exomes 0.00003 and 0.00012; TOPMed 0.00004.
gnomAD v4.1: 180 of 1,612,932 alleles (0.011%); highest among the groups gnomAD compares: Non-Finnish European, 0.015%; no homozygotes.

Submissions (7):

PreventionGenetics, part of Exact Sciences
Classification: Uncertain significance for POLE-related condition. Last evaluated: 2025-07-09. Review status: criteria provided, single submitter. Criteria: ACMG Guidelines, 2015. Collection method: clinical testing. Allele origin: germline.
Comment: The POLE c.461G>A variant is predicted to result in the amino acid substitution p.Arg154Lys. To our knowledge, this variant has not been reported in the literature. This variant is reported in 0.0062% of alleles in individuals of European (Non-Finnish) descent in gnomAD and in the ClinVar database with conflicting interpretations of likely benign and uncertain. At this time, the clinical significance of this variant is uncertain due to the absence of conclusive functional and genetic evidence.

GeneDx
Classification: Uncertain significance. Last evaluated: 2025-04-02. Review status: criteria provided, single submitter. Criteria: GeneDx Variant Classification Process June 2021. Collection method: clinical testing. Allele origin: germline. Affected: yes.
Comment: In silico analysis indicates that this missense variant does not alter protein structure/function; Observed in individuals with ovarian cancer and in a control population (PMID: 32546565); This variant is associated with the following publications: (PMID: 32546565)

Labcorp Genetics (formerly Invitae), Labcorp
Classification: Uncertain significance. Last evaluated: 2025-02-02. Review status: criteria provided, single submitter. Criteria: Invitae Variant Classification Sherloc (09022015). Collection method: clinical testing. Allele origin: germline.
Comment: This sequence change replaces arginine, which is basic and polar, with lysine, which is basic and polar, at codon 154 of the POLE protein (p.Arg154Lys). This variant is present in population databases (rs769882912, gnomAD 0.006%). This variant has not been reported in the literature in individuals affected with POLE-related conditions. ClinVar contains an entry for this variant (Variation ID: 246050). Invitae Evidence Modeling of protein sequence and biophysical properties (such as structural, functional, and spatial information, amino acid conservation, physicochemical variation, residue mobility, and thermodynamic stability) indicates that this missense variant is not expected to disrupt POLE protein function with a negative predictive value of 80%. In summary, the available evidence is currently insufficient to determine the role of this variant in disease. Therefore, it has been classified as a Variant of Uncertain Significance.

Department of Pathology and Laboratory Medicine, Sinai Health System
Classification: Uncertain significance for Familial colorectal cancer type X. Last evaluated: 2024-04-16. Review status: criteria provided, single submitter. Criteria: ACMG Guidelines, 2015. Collection method: clinical testing. Allele origin: germline. Affected: yes.

Fulgent Genetics
Classification: Uncertain significance for Colorectal cancer, susceptibility to, 12; Facial dysmorphism-immunodeficiency-livedo-short stature syndrome; Intrauterine growth retardation, metaphyseal dysplasia, adrenal hypoplasia congenita, genital anomalies, and immunodeficiency. Last evaluated: 2024-04-01. Review status: criteria provided, single submitter. Criteria: ACMG Guidelines, 2015. Collection method: clinical testing. Allele origin: germline.

Quest Diagnostics Nichols Institute San Juan Capistrano
Classification: Uncertain significance. Last evaluated: 2017-06-01. Review status: criteria provided, single submitter. Criteria: Quest Diagnostics criteria. Collection method: clinical testing. Allele origin: germline.

Ambry Genetics
Classification: Likely benign for Hereditary cancer-predisposing syndrome. Last evaluated: 2015-06-28. Review status: criteria provided, single submitter. Criteria: Ambry Variant Classification Scheme 2023. Collection method: clinical testing. Allele origin: germline.

Literature cited by the submitters: PubMed 32546565 (cited by Department of Pathology and Laboratory Medicine, Sinai Health System).

NM_006231.4(POLE):c.461G>A (p.Arg154Lys)

Gene: POLE (DNA polymerase epsilon, catalytic subunit; minus strand). Cytogenetic location: 12q24.33.
Variant type: single nucleotide variant.
Coding change: c.461G>A on transcript NM_006231.4 (MANE Select); coding-DNA position 461, G replaced by A.
Protein change: p.Arg154Lys; replaces arginine 154 with lysine.
Molecular consequence: missense variant.
Genome position (GRCh38, 1-based): chr12:132,679,614, C>T on the plus strand (G>A on the coding strand, the complement: POLE is on the minus strand). VCF-style: chr12-132679614-C-T. GRCh37 (hg19) VCF-style: chr12-133256200-C-T.
Other names: short protein forms R154K.
Identifiers: ClinVar variation 246050 (VCV000246050.26), dbSNP rs769882912, ClinGen allele CA6894309.